The following is an entry in ClinVar:

NM_001009999.3(KDM1A):c.1821C>G (p.Asp607Glu)

Gene: KDM1A (lysine demethylase 1A; plus strand). Cytogenetic location: 1p36.12.
Variant type: single nucleotide variant.
Coding change: c.1821C>G on transcript NM_001009999.3 (MANE Select); coding-DNA position 1821, C replaced by G.
Protein change: p.Asp607Glu; replaces aspartic acid 607 with glutamic acid.
Molecular consequence: missense variant.
Genome position (GRCh38, 1-based): chr1:23,077,314, C>G. VCF-style: chr1-23077314-C-G. GRCh37 (hg19) VCF-style: chr1-23403807-C-G.
Other names: c.1767C>G, p.Asp589Glu (NM_001363654.2); c.1827C>G, p.Asp609Glu (NM_001410762.1); c.1749C>G, p.Asp583Glu (NM_001410763.1, NM_015013.4); short protein forms D583E, D589E, D607E, D609E.
Identifiers: ClinVar variation 4622662 (VCV004622662.1).

ClinVar aggregate classification (germline): Uncertain significance (1 of 4 stars; one submission).

Conditions:
Inborn genetic diseases. Identifiers: MedGen C0950123, MeSH D030342.

Submission:

Ambry Genetics
Classification: Uncertain significance for Inborn genetic diseases. Last evaluated: 2025-10-02. Review status: criteria provided, single submitter. Criteria: Ambry Variant Classification Scheme 2023. Collection method: clinical testing. Allele origin: germline.
Comment: The p.D607E variant (also known as c.1821C>G), located in coding exon 16 of the KDM1A gene, results from a C to G substitution at nucleotide position 1821. The aspartic acid at codon 607 is replaced by glutamic acid, an amino acid with highly similar properties. This amino acid position is conserved. In addition, the in silico prediction for this alteration is inconclusive. Based on the available evidence, the clinical significance of this variant remains unclear.